The following is an entry in ClinVar:

NM_003859.3(DPM1):c.495-1G>T

Genes: ADNP-AS1 (ADNP antisense RNA 1; plus strand), DPM1 (dolichyl-phosphate mannosyltransferase subunit 1, catalytic; minus strand). Cytogenetic location: 20q13.13.
Variant type: single nucleotide variant.
Coding change: c.495-1G>T on transcript NM_003859.3 (MANE Select); the canonical splice acceptor site of the intron before coding-DNA position 495, G replaced by T.
Molecular consequence: splice acceptor variant. On other transcripts: non-coding transcript variant (1), intron variant (1).
Genome position (GRCh38, 1-based): chr20:50,940,934, C>A on the plus strand (G>T on the coding strand, the complement: DPM1 is on the minus strand). VCF-style: chr20-50940934-C-A. GRCh37 (hg19) VCF-style: chr20-49557471-C-A.
Other names: c.576-1G>T (NM_001317035.1); c.600-1G>T (NM_001317034.1); c.494+1097G>T (NM_001317036.1).
Identifiers: ClinVar variation 2023666 (VCV002023666.4), dbSNP rs2515710157, ClinGen allele CA408988655.

ClinVar aggregate classification (germline): Likely pathogenic (1 of 4 stars; one submission).

Conditions:
Congenital disorder of glycosylation type 1E (CDG1E). Also called: CDG Ie; CONGENITAL DISORDER OF GLYCOSYLATION, TYPE Ie. Identifiers: Orphanet 79322, MedGen C1837396, MONDO:0012123, OMIM 608799.

Submission:

Labcorp Genetics (formerly Invitae), Labcorp
Classification: Likely pathogenic for Congenital disorder of glycosylation type 1E. Last evaluated: 2022-09-05. Review status: criteria provided, single submitter. Criteria: Invitae Variant Classification Sherloc (09022015). Collection method: clinical testing. Allele origin: germline.
Comment: This variant has not been reported in the literature in individuals affected with DPM1-related conditions. Algorithms developed to predict the effect of sequence changes on RNA splicing suggest that this variant may disrupt the consensus splice site. In summary, the currently available evidence indicates that the variant is pathogenic, but additional data are needed to prove that conclusively. Therefore, this variant has been classified as Likely Pathogenic. This variant is not present in population databases (gnomAD no frequency). This sequence change affects an acceptor splice site in intron 6 of the DPM1 gene. It is expected to disrupt RNA splicing. Variants that disrupt the donor or acceptor splice site typically lead to a loss of protein function (PMID: 16199547), and loss-of-function variants in DPM1 are known to be pathogenic (PMID: 10642597, 10642602).

Literature cited by the submitters: PubMed 16199547; PubMed 10642597; PubMed 10642602.